The following is an entry in ClinVar:

ClinVar aggregate classification (germline): Likely benign. Review status: criteria provided, multiple submitters, no conflicts (2 of 4 stars). 10 submissions from 10 submitters: Likely benign (5). 5 of the submissions do not count toward it. Last evaluated 2026-09-01.

Conditions:
Hereditary sensory and autonomic neuropathy type 6. Also called: HSAN VI; Neuropathy, hereditary sensory and autonomic, type VI. Identifiers: Orphanet 314381, MedGen C3539003, MONDO:0013839, OMIM 614653.
DST-related disorder. Also called: DST-related disorders; DST-related condition.
Epidermolysis bullosa simplex 3, localized or generalized intermediate, with BP230 deficiency (EBS3). Also called: Epidermolysis bullosa simplex, autosomal recessive 2; Epidermolysis bullosa simplex due to BP230 deficiency. Identifiers: Orphanet 412181, MedGen C3809470, MONDO:0014180, OMIM 615425.

Allele frequency attached by ClinVar (database versions not stated): ESP Exome Variant Server 0.00554; gnomAD exomes 0.00620 and 0.00414; 1000 Genomes Project 30x 0.00172; 1000 Genomes Project 0.00200; TOPMed 0.00376; ExAC 0.00422; gnomAD 0.00431 and 0.00441.
gnomAD v4.1: 9,638 of 1,614,150 alleles (0.6%); highest among the groups gnomAD compares: Non-Finnish European, 0.73%; 53 homozygotes.

Submissions (10):

CeGaT Center for Human Genetics Tuebingen
Classification: Likely benign. Last evaluated: 2026-09-01. Review status: criteria provided, single submitter. Criteria: CeGaT Center For Human Genetics Tuebingen Variant Classification Criteria Version 2. Collection method: clinical testing. Allele origin: germline. Affected: yes. Observed: 40 variant alleles.
Comment: DST: BP4, BS2

Labcorp Genetics (formerly Invitae), Labcorp
Classification: Likely benign for Epidermolysis bullosa simplex 3, localized or generalized intermediate, with BP230 deficiency; Hereditary sensory and autonomic neuropathy type 6. Last evaluated: 2026-02-03. Review status: criteria provided, single submitter. Criteria: Invitae Variant Classification Sherloc (09022015). Collection method: clinical testing. Allele origin: germline.

Blueprint Genetics
Classification: Likely benign. Last evaluated: 2024-11-26. Review status: criteria provided, single submitter. Criteria: ACMG Guidelines, 2015. Collection method: clinical testing. Allele origin: germline.

GeneDx
Classification: Likely benign. Last evaluated: 2022-11-14. Review status: criteria provided, single submitter. Criteria: GeneDx Variant Classification Process June 2021. Collection method: clinical testing. Allele origin: germline. Affected: yes.
Comment: In silico analysis supports that this missense variant does not alter protein structure/function; This variant is associated with the following publications: (PMID: 25790160)

Breakthrough Genomics
Classification: Likely benign. Review status: criteria provided, single submitter. Criteria: ACMG Guidelines, 2015. Collection method: not provided. Allele origin: germline. Inheritance: Autosomal recessive inheritance. Affected: yes.

PreventionGenetics, part of Exact Sciences
Classification: Benign for DST-related condition. Last evaluated: 2020-02-17. Review status: no assertion criteria provided. Collection method: clinical testing. Allele origin: germline. Not counted in ClinVar's aggregate classification.
Comment: This variant is classified as benign based on ACMG/AMP sequence variant interpretation guidelines (Richards et al. 2015 PMID: 25741868, with internal and published modifications).

Inherited Neuropathy Consortium Ii, University Of Miami
Classification: Uncertain significance for Hereditary sensory and autonomic neuropathy type 6. Last evaluated: 2016-01-06. Review status: no assertion criteria provided. Collection method: literature only. Allele origin: germline. Affected: yes. Not counted in ClinVar's aggregate classification.

Clinical Genetics DNA and cytogenetics Diagnostics Lab, Erasmus MC, Erasmus Medical Center
Classification: Likely benign. Review status: no assertion criteria provided. Collection method: clinical testing. Allele origin: germline. Affected: yes. Study: VKGL Data-share Consensus. Not counted in ClinVar's aggregate classification.

Clinical Genetics, Academic Medical Center
Classification: Benign. Review status: no assertion criteria provided. Collection method: clinical testing. Allele origin: germline. Affected: yes. Study: VKGL Data-share Consensus. Not counted in ClinVar's aggregate classification.

Genome Diagnostics Laboratory, University Medical Center Utrecht
Classification: Likely benign. Review status: no assertion criteria provided. Collection method: clinical testing. Allele origin: germline. Affected: yes. Study: VKGL Data-share Consensus. Not counted in ClinVar's aggregate classification.

Literature cited by the submitters: PubMed 25790160 (cited by Inherited Neuropathy Consortium Ii, University Of Miami).

NM_001723.7(DST):c.5780A>G (p.His1927Arg)

Gene: DST (dystonin; minus strand). Cytogenetic location: 6p12.1.
Variant type: single nucleotide variant.
Coding change: c.5780A>G on transcript NM_001723.7 (MANE Plus Clinical); coding-DNA position 5780, A replaced by G.
Protein change: p.His1927Arg; replaces histidine 1927 with arginine.
Molecular consequence: missense variant. On other transcripts: intron variant (10).
Genome position (GRCh38, 1-based): chr6:56,618,254, T>C on the plus strand (A>G on the coding strand, the complement: DST is on the minus strand). VCF-style: chr6-56618254-T-C. GRCh37 (hg19) VCF-style: chr6-56483052-T-C.
Other names: c.4831-3770A>G (NM_001144769.5); c.4930-3770A>G (NM_001374722.1, NM_001374736.1); c.4957-3770A>G (NM_001374734.1); c.4417-3770A>G (NM_001144770.2); c.4297-3770A>G (NM_001374730.1, NM_001386100.1, NM_183380.4 and 1 more transcripts); c.3319-3770A>G (NM_015548.5); short protein forms H1927R.
Identifiers: ClinVar variation 381713 (VCV000381713.55), dbSNP rs12209266, ClinGen allele CA3870308.